The following is an entry in ClinVar:

ClinVar aggregate classification (germline): Benign/Likely benign. Review status: criteria provided, multiple submitters, no conflicts (2 of 4 stars). 6 submissions from 6 submitters: Benign (2); Likely benign (2). 2 of the submissions do not count toward it. Last evaluated 2025-10-19.

Conditions:
KMT2D-related disorder. Also called: KMT2D-Related Disorders.
Kabuki syndrome. Also called: NIIKAWA-KUROKI SYNDROME; Kabuki make-up syndrome. Identifiers: Orphanet 2322, MedGen C0796004, MONDO:0016512.
Inborn genetic diseases. Identifiers: MedGen C0950123, MeSH D030342.

Allele frequency attached by ClinVar (database versions not stated): ExAC 0.00002; gnomAD exomes 0.00003 and 0.00005; gnomAD 0.00006 and 0.00007; TOPMed 0.00007; 1000 Genomes Project 30x 0.00016; 1000 Genomes Project 0.00020.
gnomAD v4.1: 91 of 1,613,928 alleles (0.0056%); highest among the groups gnomAD compares: Middle Eastern, 0.016%; no homozygotes.

Submissions (6):

Labcorp Genetics (formerly Invitae), Labcorp
Classification: Benign for Kabuki syndrome. Last evaluated: 2025-10-19. Review status: criteria provided, single submitter. Criteria: Invitae Variant Classification Sherloc (09022015). Collection method: clinical testing. Allele origin: germline.

Laboratory of Genetics, Children's Clinical University Hospital Latvia
Classification: Likely benign. Last evaluated: 2025-02-16. Review status: criteria provided, single submitter. Criteria: ACMG Guidelines, 2015. Collection method: clinical testing. Allele origin: germline. Affected: yes.

GeneDx
Classification: Benign. Last evaluated: 2022-06-08. Review status: criteria provided, single submitter. Criteria: GeneDx Variant Classification Process June 2021. Collection method: clinical testing. Allele origin: germline. Affected: yes.
Comment: In silico analysis supports that this missense variant has a deleterious effect on protein structure/function; Has not been previously published as pathogenic or benign to our knowledge

Ambry Genetics
Classification: Likely benign for Inborn genetic diseases. Last evaluated: 2021-12-03. Review status: criteria provided, single submitter. Criteria: Ambry Variant Classification Scheme 2023. Collection method: clinical testing. Allele origin: germline.

PreventionGenetics, part of Exact Sciences
Classification: Likely benign for KMT2D-related condition. Last evaluated: 2024-08-12. Review status: no assertion criteria provided. Collection method: clinical testing. Allele origin: germline. Not counted in ClinVar's aggregate classification.
Comment: This variant is classified as likely benign based on ACMG/AMP sequence variant interpretation guidelines (Richards et al. 2015 PMID: 25741868, with internal and published modifications).

ITMI
No classification provided. Condition: AllHighlyPenetrant. Last evaluated: 2013-09-19. Review status: no classification provided. Collection method: reference population. Allele origin: germline. Not counted in ClinVar's aggregate classification.
Comment: Please see associated publication for description of ethnicities

Literature cited by the submitters: PubMed 24728327 (cited by ITMI).

NM_003482.4(KMT2D):c.5386C>T (p.Arg1796Trp)

Gene: KMT2D (lysine methyltransferase 2D; minus strand). Cytogenetic location: 12q13.12.
Variant type: single nucleotide variant.
Coding change: c.5386C>T on transcript NM_003482.4 (MANE Select); coding-DNA position 5386, C replaced by T.
Protein change: p.Arg1796Trp; replaces arginine 1796 with tryptophan.
Molecular consequence: missense variant.
Genome position (GRCh38, 1-based): chr12:49,043,716, G>A on the plus strand (C>T on the coding strand, the complement: KMT2D is on the minus strand). VCF-style: chr12-49043716-G-A. GRCh37 (hg19) VCF-style: chr12-49437499-G-A.
Other names: short protein forms R1796W.
Identifiers: ClinVar variation 134678 (VCV000134678.12), dbSNP rs186948725, ClinGen allele CA160521.